The following is an entry in ClinVar:

NM_001378454.1(ALMS1):c.2041C>T (p.Gln681Ter)

Gene: ALMS1 (ALMS1 centrosome and basal body associated protein; plus strand). Cytogenetic location: 2p13.1.
Variant type: single nucleotide variant.
Coding change: c.2041C>T on transcript NM_001378454.1 (MANE Select); coding-DNA position 2041, C replaced by T.
Protein change: p.Gln681Ter; replaces glutamine 681 with a stop codon.
Molecular consequence: nonsense.
Genome position (GRCh38, 1-based): chr2:73,448,568, C>T. VCF-style: chr2-73448568-C-T. GRCh37 (hg19) VCF-style: chr2-73675695-C-T.
Other names: c.2044C>T, p.Gln682Ter (NM_015120.4); short protein forms Q681*, Q682*.
Identifiers: ClinVar variation 1069260 (VCV001069260.8), dbSNP rs190439406, ClinGen allele CA50391302.

ClinVar aggregate classification (germline): Pathogenic/Likely pathogenic. Review status: criteria provided, multiple submitters, no conflicts (2 of 4 stars). 2 submissions from 2 submitters: Pathogenic (1); Likely pathogenic (1). Last evaluated 2025-09-29.

Conditions:
Alstrom syndrome (ALMS). Identifiers: Orphanet 64, MedGen C0268425, MONDO:0008763, OMIM 203800.

Allele frequency attached by ClinVar (database versions not stated): gnomAD 0.00001; 1000 Genomes Project 30x 0.00016; 1000 Genomes Project 0.00020.
gnomAD v4.1: 10 of 1,613,962 alleles (0.00062%); highest among the groups gnomAD compares: East Asian, 0.0022%; no homozygotes.

Submissions (2):

Natera, Inc.
Classification: Likely pathogenic for Alstrom syndrome. Last evaluated: 2025-09-29. Review status: criteria provided, single submitter. Criteria: Natera Variant Classification Schema (03/2026). Collection method: clinical testing. Allele origin: germline.
Comment: The c.2044C>T variant in ALMS1 is a nonsense variant predicted to introduce a stop codon at amino acid 682. This variant is expected to result in nonsense mediated decay, truncation, or a dysfunctional protein product. This variant is rare in the general population with a frequency below the threshold expected for the associated phenotype(s). Given the available evidence, this variant is classified as Likely Pathogenic.

Labcorp Genetics (formerly Invitae), Labcorp
Classification: Pathogenic for Alstrom syndrome. Last evaluated: 2023-05-11. Review status: criteria provided, single submitter. Criteria: Invitae Variant Classification Sherloc (09022015). Collection method: clinical testing. Allele origin: germline.
Comment: For these reasons, this variant has been classified as Pathogenic. ClinVar contains an entry for this variant (Variation ID: 1069260). This variant has not been reported in the literature in individuals affected with ALMS1-related conditions. This variant is not present in population databases (gnomAD no frequency). This sequence change creates a premature translational stop signal (p.Gln682*) in the ALMS1 gene. It is expected to result in an absent or disrupted protein product. Loss-of-function variants in ALMS1 are known to be pathogenic (PMID: 17594715).

Literature cited by the submitters: PubMed 17594715 (cited by Labcorp Genetics (formerly Invitae), Labcorp).